The following is an entry in ClinVar:

NM_003579.4(RAD54L):c.1895T>G (p.Phe632Cys)

Genes: LRRC41 (leucine rich repeat containing 41; minus strand), RAD54L (RAD54 like; plus strand). Cytogenetic location: 1p34.1.
Variant type: single nucleotide variant.
Coding change: c.1895T>G on transcript NM_003579.4 (MANE Select); coding-DNA position 1895, T replaced by G.
Protein change: p.Phe632Cys; replaces phenylalanine 632 with cysteine.
Molecular consequence: missense variant. On other transcripts: 3 prime UTR variant (1).
Genome position (GRCh38, 1-based): chr1:46,277,842, T>G. VCF-style: chr1-46277842-T-G. GRCh37 (hg19) VCF-style: chr1-46743514-T-G.
Other names: c.*1023A>C (NM_006369.5); c.1895T>G, p.Phe632Cys (NM_001142548.2); c.1355T>G, p.Phe452Cys (NM_001370766.1); short protein forms F632C, F452C.
Identifiers: ClinVar variation 2447810 (VCV002447810.2), dbSNP rs2525729328, ClinGen allele CA340189046.

ClinVar aggregate classification (germline): Uncertain significance (1 of 4 stars; one submission).

Submission:

Ambry Genetics
Classification: Uncertain significance. Last evaluated: 2023-02-09. Review status: criteria provided, single submitter. Criteria: Ambry Variant Classification Scheme 2023. Collection method: clinical testing. Allele origin: germline.
Comment: The p.F632C variant (also known as c.1895T>G), located in coding exon 17 of the RAD54L gene, results from a T to G substitution at nucleotide position 1895. The phenylalanine at codon 632 is replaced by cysteine, an amino acid with highly dissimilar properties. This amino acid position is conserved. In addition, the in silico prediction for this alteration is inconclusive. Since supporting evidence is limited at this time, the clinical significance of this alteration remains unclear.